The following is an entry in ClinVar:

ClinVar aggregate classification (germline): Pathogenic (1 of 4 stars; one submission).

Conditions:
Hereditary diffuse gastric adenocarcinoma (HDGC). Also called: DIFFUSE GASTRIC AND LOBULAR BREAST CANCER SYNDROME. Identifiers: Orphanet 26106, MedGen C1708349, MONDO:0007648, OMIM 137215.

Submission:

Myriad Genetics, Inc.
Classification: Pathogenic for Hereditary diffuse gastric adenocarcinoma. Last evaluated: 2023-06-15. Review status: criteria provided, single submitter. Criteria: Myriad Autosomal Dominant, Autosomal Recessive and X-Linked Classification Criteria (2023). Collection method: clinical testing. Allele origin: unknown.
Comment: This variant is considered pathogenic. This variant creates a frameshift predicted to result in premature protein truncation.

NM_004360.5(CDH1):c.2293dup (p.Gln765fs)

Gene: CDH1 (cadherin 1; plus strand). Cytogenetic location: 16q22.1.
Variant type: Duplication.
Coding change: c.2293dup on transcript NM_004360.5 (MANE Select); coding-DNA position 2293, one base duplicated (C; older notation c.2293dupC).
Protein change: p.Gln765fs; shifts the reading frame from glutamine 765.
Molecular consequence: frameshift variant.
Genome position (GRCh38, 1-based): chr16:68,828,302, C duplicated; the last of 2 consecutive C bases (chr16:68,828,301-68,828,302); duplicating either gives the same sequence. VCF-style (leftmost placement, unchanged base first): chr16-68828300-A-AC. GRCh37 (hg19) VCF-style: chr16-68862203-A-AC.
Other names: c.2110dup, p.Gln704fs (NM_001317184.2); c.745dup, p.Gln249fs (NM_001317185.2); c.328dup, p.Gln110fs (NM_001317186.2); short protein forms Q110fs, Q249fs, Q704fs, Q765fs.
Identifiers: ClinVar variation 2583710 (VCV002583710.2), dbSNP rs2543954146, ClinGen allele CA496157197.